The following is an entry in ClinVar:

NM_033004.4(NLRP1):c.4057+8C>G

Gene: NLRP1 (NLR family pyrin domain containing 1; minus strand). Cytogenetic location: 17p13.2.
Variant type: single nucleotide variant.
Coding change: c.4057+8C>G on transcript NM_033004.4 (MANE Select); 8 bases into the intron after coding-DNA position 4057, C replaced by G.
Molecular consequence: intron variant.
Genome position (GRCh38, 1-based): chr17:5,517,738, G>C on the plus strand (C>G on the coding strand, the complement: NLRP1 is on the minus strand). VCF-style: chr17-5517738-G-C. GRCh37 (hg19) VCF-style: chr17-5421058-G-C.
Other names: p.?; c.4069+8C>G (NM_001033053.3); c.3835+8C>G (NM_033007.4); c.3967+8C>G (NM_033006.4); c.3925+8C>G (NM_014922.5).
Identifiers: ClinVar variation 769907 (VCV000769907.42), dbSNP rs190095941, ClinGen allele CA8326676.

ClinVar aggregate classification (germline): Benign/Likely benign. Review status: criteria provided, multiple submitters, no conflicts (2 of 4 stars). 7 submissions from 7 submitters: Benign (4); Likely benign (2). 1 of the submissions does not count toward it. Last evaluated 2026-08-01.

Conditions:
NLRP1-related disorder. Also called: NLRP1-related condition.

Allele frequency attached by ClinVar (database versions not stated): ESP Exome Variant Server 0.00646; 1000 Genomes Project 30x 0.00203; 1000 Genomes Project 0.00220; TOPMed 0.00504.
gnomAD v4.1: 12,223 of 1,613,976 alleles (0.76%); highest among the groups gnomAD compares: Non-Finnish European, 0.92%; 62 homozygotes.

Submissions (7):

CeGaT Center for Human Genetics Tuebingen
Classification: Likely benign. Last evaluated: 2026-08-01. Review status: criteria provided, single submitter. Criteria: CeGaT Center For Human Genetics Tuebingen Variant Classification Criteria Version 2. Collection method: clinical testing. Allele origin: germline. Affected: yes. Observed: 7 variant alleles.
Comment: NLRP1: BP4, BS2

Women's Health and Genetics/Laboratory Corporation of America, LabCorp
Classification: Benign. Last evaluated: 2026-02-11. Review status: criteria provided, single submitter. Criteria: LabCorp Variant Classification Summary - May 2015. Collection method: clinical testing. Allele origin: germline.
Comment: Variant summary: NLRP1 c.4057+8C>G alters a non-conserved nucleotide located at a position not widely known to affect splicing. Consensus agreement among computation tools predict no significant impact on normal splicing. However, these predictions have yet to be confirmed by functional studies. The variant allele was found at a frequency of 0.0056 in 248924 control chromosomes, predominantly at a frequency of 0.0089 within the Non-Finnish European subpopulation in the gnomAD database, including 5 homozygotes. The observed variant frequency within Non-Finnish European control individuals in the gnomAD database exceeds the estimated maximal expected allele frequency for disease-causing variants in NLRP1. To our knowledge, no occurrence of c.4057+8C>G in individuals affected with NLRP1-related conditions and no experimental evidence demonstrating its impact on protein function have been reported. ClinVar contains an entry for this variant (Variation ID: 769907). Based on the evidence outlined above, the variant was classified as benign.

Labcorp Genetics (formerly Invitae), Labcorp
Classification: Benign. Last evaluated: 2026-02-02. Review status: criteria provided, single submitter. Criteria: Invitae Variant Classification Sherloc (09022015). Collection method: clinical testing. Allele origin: germline.

Mayo Clinic Laboratories, Mayo Clinic
Classification: Benign. Last evaluated: 2025-03-19. Review status: criteria provided, single submitter. Criteria: ACMG Guidelines, 2015. Collection method: clinical testing. Allele origin: germline. Observed: 4 variant alleles.
Comment: BS1, BS2, BP4, BP7

Blueprint Genetics
Classification: Likely benign. Last evaluated: 2024-11-23. Review status: criteria provided, single submitter. Criteria: ACMG Guidelines, 2015. Collection method: clinical testing. Allele origin: germline.

Breakthrough Genomics
Classification: Benign. Review status: criteria provided, single submitter. Criteria: ACMG Guidelines, 2015. Collection method: not provided. Allele origin: germline. Inheritance: Autosomal recessive inheritance. Affected: yes.

PreventionGenetics, part of Exact Sciences
Classification: Likely benign for NLRP1-related condition. Last evaluated: 2024-01-11. Review status: no assertion criteria provided. Collection method: clinical testing. Allele origin: germline. Not counted in ClinVar's aggregate classification.
Comment: This variant is classified as likely benign based on ACMG/AMP sequence variant interpretation guidelines (Richards et al. 2015 PMID: 25741868, with internal and published modifications).